The following is an entry in ClinVar:

NM_016938.5(EFEMP2):c.475G>A (p.Gly159Arg)

Gene: EFEMP2 (EGF-like fibulin extracellular matrix protein 2; minus strand). Cytogenetic location: 11q13.1.
Variant type: single nucleotide variant.
Coding change: c.475G>A on transcript NM_016938.5 (MANE Select); coding-DNA position 475, G replaced by A.
Protein change: p.Gly159Arg; replaces glycine 159 with arginine.
Molecular consequence: missense variant. On other transcripts: non-coding transcript variant (1).
Genome position (GRCh38, 1-based): chr11:65,870,551, C>T on the plus strand (G>A on the coding strand, the complement: EFEMP2 is on the minus strand). VCF-style: chr11-65870551-C-T. GRCh37 (hg19) VCF-style: chr11-65638022-C-T.
Other names: short protein forms G159R.
Identifiers: ClinVar variation 1007511 (VCV001007511.5), dbSNP rs1248173748, ClinGen allele CA381361967.
Genomic context (GRCh38, chr11:65,870,551, plus strand): 5'-CAGGGACACAAAGCCGGGACTACAGAAGCTGCTTCCTGGACTCACCCACACACTCGGGCC[C>T]GATCTTGCGGTAACCATCAGGGCAGGTGCACTGATAGGAGCCAGGCAAGTTATGGCAGTC-3'
Protein context (NP_058634.4, residues 149-169): CTCPDGYRKI[Gly159Arg]PECVDIDECR

ClinVar aggregate classification (germline): Uncertain significance (1 of 4 stars; one submission).

Conditions:
Cutis laxa, autosomal recessive, type 1B (ARCL1B). Also called: EFEMP2-Related Cutis Laxa; CUTIS LAXA, AUTOSOMAL RECESSIVE, TYPE IB. Identifiers: Orphanet 90349, MedGen C3280798, MONDO:0013754, OMIM 614437. Disease mechanism: loss of function.

Allele frequency attached by ClinVar (database versions not stated): gnomAD exomes below 0.00001; gnomAD 0.00001; TOPMed 0.00001.
gnomAD v4.1: 6 of 1,613,708 alleles (0.00037%); highest among the groups gnomAD compares: East Asian, 0.0022%; no homozygotes.

Submission:

Labcorp Genetics (formerly Invitae), Labcorp
Classification: Uncertain significance for Cutis laxa, autosomal recessive, type 1B. Last evaluated: 2025-01-19. Review status: criteria provided, single submitter. Criteria: Invitae Variant Classification Sherloc (09022015). Collection method: clinical testing. Allele origin: germline.
Comment: This sequence change replaces glycine, which is neutral and non-polar, with arginine, which is basic and polar, at codon 159 of the EFEMP2 protein (p.Gly159Arg). This variant is present in population databases (no rsID available, gnomAD 0.006%). This variant has not been reported in the literature in individuals affected with EFEMP2-related conditions. ClinVar contains an entry for this variant (Variation ID: 1007511). Invitae Evidence Modeling of protein sequence and biophysical properties (such as structural, functional, and spatial information, amino acid conservation, physicochemical variation, residue mobility, and thermodynamic stability) has been performed for this missense variant. However, the output from this modeling did not meet the statistical confidence thresholds required to predict the impact of this variant on EFEMP2 protein function. In summary, the available evidence is currently insufficient to determine the role of this variant in disease. Therefore, it has been classified as a Variant of Uncertain Significance.